The following is an entry in ClinVar:

ClinVar aggregate classification (germline): Uncertain significance. Review status: criteria provided, multiple submitters, no conflicts (2 of 4 stars). 2 submissions from 2 submitters: Uncertain significance (2). Last evaluated 2025-12-21.

Conditions:
Hereditary cancer-predisposing syndrome. Also called: Tumor predisposition; Hereditary Cancer Syndrome; Neoplastic Syndromes, Hereditary; Hereditary neoplastic syndrome. Identifiers: Orphanet 140162, MedGen C0027672, MeSH D009386, MONDO:0015356.
Tuberous sclerosis 2 (TSC2). Identifiers: Orphanet 805, MedGen C1860707, MONDO:0013199, OMIM 613254.

Allele frequency attached by ClinVar (database versions not stated): gnomAD 0.00001.

Submissions (2):

Labcorp Genetics (formerly Invitae), Labcorp
Classification: Uncertain significance for Tuberous sclerosis 2. Last evaluated: 2025-12-21. Review status: criteria provided, single submitter. Criteria: Invitae Variant Classification Sherloc (09022015). Collection method: clinical testing. Allele origin: germline.
Comment: This sequence change replaces proline, which is neutral and non-polar, with leucine, which is neutral and non-polar, at codon 685 of the TSC2 protein (p.Pro685Leu). This variant is not present in population databases (gnomAD no frequency). This variant has not been reported in the literature in individuals affected with TSC2-related conditions. ClinVar contains an entry for this variant (Variation ID: 1016081). Invitae Evidence Modeling of protein sequence and biophysical properties (such as structural, functional, and spatial information, amino acid conservation, physicochemical variation, residue mobility, and thermodynamic stability) indicates that this missense variant is not expected to disrupt TSC2 protein function with a negative predictive value of 95%. In summary, the available evidence is currently insufficient to determine the role of this variant in disease. Therefore, it has been classified as a Variant of Uncertain Significance.

Ambry Genetics
Classification: Uncertain significance for Hereditary cancer-predisposing syndrome. Last evaluated: 2023-11-14. Review status: criteria provided, single submitter. Criteria: Ambry Variant Classification Scheme 2023. Collection method: clinical testing. Allele origin: germline.
Comment: The p.P685L variant (also known as c.2054C>T), located in coding exon 18 of the TSC2 gene, results from a C to T substitution at nucleotide position 2054. The proline at codon 685 is replaced by leucine, an amino acid with similar properties. This amino acid position is highly conserved in available vertebrate species. In addition, this alteration is predicted to be deleterious by in silico analysis. Since supporting evidence is limited at this time, the clinical significance of this alteration remains unclear.

NM_000548.5(TSC2):c.2054C>T (p.Pro685Leu)

Gene: TSC2 (TSC complex subunit 2; plus strand). Cytogenetic location: 16p13.3.
Variant type: single nucleotide variant.
Coding change: c.2054C>T on transcript NM_000548.5 (MANE Select); coding-DNA position 2054, C replaced by T.
Protein change: p.Pro685Leu; replaces proline 685 with leucine.
Molecular consequence: missense variant.
Genome position (GRCh38, 1-based): chr16:2,071,891, C>T. VCF-style: chr16-2071891-C-T. GRCh37 (hg19) VCF-style: chr16-2121892-C-T.
Other names: c.2054C>T, p.Pro685Leu (NM_001077183.3, NM_001114382.3, NM_001363528.2 and 3 more transcripts); c.1943C>T, p.Pro648Leu (NM_001318827.2); c.1907C>T, p.Pro636Leu (NM_001318829.2); c.1454C>T, p.Pro485Leu (NM_001318831.2); c.2087C>T, p.Pro696Leu (NM_001318832.2); short protein forms P485L, P636L, P648L, P685L, P696L.
Identifiers: ClinVar variation 1016081 (VCV001016081.8), dbSNP rs959165669, ClinGen allele CA394274610.